The following is an entry in ClinVar:

NM_005515.4(MNX1):c.504GGC[7] (p.Ala174_Leu175insAlaAla)

Genes: MNX1 (motor neuron and pancreas homeobox 1; minus strand), LOC129999735 (ATAC-STARR-seq lymphoblastoid silent region 18857; plus strand). Cytogenetic location: 7q36.3.
Variant type: Microsatellite.
Coding change: c.504GGC[7] on transcript NM_005515.4 (MANE Select); seven copies in a row of the 3-base unit GGC starting at c.504; the reference has five copies in a row; two copies, 6 bases duplicated.
Protein change: p.Ala174_Leu175insAlaAla.
Molecular consequence: inframe insertion.
Genome position (GRCh38, 1-based): chr7:157,009,833-157,009,838, GCCGCC duplicated on the plus strand (GGCGGC on the coding strand, the reverse complement: MNX1 is on the minus strand); duplicating any 6 consecutive bases within chr7:157,009,833-157,009,849 gives the same sequence; the position shown is the placement nearest the transcript's 3' end. VCF-style (leftmost placement, unchanged base first): chr7-157009832-A-AGCCGCC. GRCh37 (hg19) VCF-style: chr7-156802526-A-AGCCGCC.
Identifiers: ClinVar variation 1979941 (VCV001979941.4), dbSNP rs748208450, ClinGen allele CA579079930.

ClinVar aggregate classification (germline): Uncertain significance (1 of 4 stars; one submission).

Submission:

Labcorp Genetics (formerly Invitae), Labcorp
Classification: Uncertain significance. Last evaluated: 2025-08-07. Review status: criteria provided, single submitter. Criteria: Invitae Variant Classification Sherloc (09022015). Collection method: clinical testing. Allele origin: germline.
Comment: This variant, c.513_518dup, results in the insertion of 2 amino acid(s) of the MNX1 protein (p.Ala173_Ala174dup), but otherwise preserves the integrity of the reading frame. This variant is present in population databases (no rsID available, gnomAD 0.03%). This variant has not been reported in the literature in individuals affected with MNX1-related conditions. In summary, the available evidence is currently insufficient to determine the role of this variant in disease. Therefore, it has been classified as a Variant of Uncertain Significance.